The following is an entry in ClinVar:

NM_015015.3(KDM4B):c.687C>T (p.Pro229=)

Gene: KDM4B (lysine demethylase 4B; plus strand). Cytogenetic location: 19p13.3.
Variant type: single nucleotide variant.
Coding change: c.687C>T on transcript NM_015015.3 (MANE Select); coding-DNA position 687, C replaced by T.
Protein change: p.Pro229=; no amino-acid change (proline 229 retained).
Molecular consequence: synonymous variant.
Genome position (GRCh38, 1-based): chr19:5,077,377, C>T. VCF-style: chr19-5077377-C-T. GRCh37 (hg19) VCF-style: chr19-5077388-C-T.
Other names: c.687C>T, p.Pro229= (NM_001370093.1, NM_001370094.1, NM_001411148.1).
Identifiers: ClinVar variation 4084349 (VCV004084349.8).

ClinVar aggregate classification (germline): Likely benign (1 of 4 stars; one submission).

Submission:

CeGaT Center for Human Genetics Tuebingen
Classification: Likely benign. Last evaluated: 2025-08-01. Review status: criteria provided, single submitter. Criteria: CeGaT Center For Human Genetics Tuebingen Variant Classification Criteria Version 2. Collection method: clinical testing. Allele origin: germline. Affected: yes. Observed: 1 variant allele.
Comment: KDM4B: BP4, BP7